The following is an entry in ClinVar:

NM_016507.4(CDK12):c.2261C>G (p.Ala754Gly)

Gene: CDK12 (cyclin dependent kinase 12; plus strand). Cytogenetic location: 17q12.
Variant type: single nucleotide variant.
Coding change: c.2261C>G on transcript NM_016507.4 (MANE Select); coding-DNA position 2261, C replaced by G.
Protein change: p.Ala754Gly; replaces alanine 754 with glycine.
Molecular consequence: missense variant.
Genome position (GRCh38, 1-based): chr17:39,494,536, C>G. VCF-style: chr17-39494536-C-G. GRCh37 (hg19) VCF-style: chr17-37650789-C-G.
Other names: c.2261C>G, p.Ala754Gly (NM_015083.4); short protein forms A754G.
Identifiers: ClinVar variation 5034078 (VCV005034078.1).
Genomic context (GRCh38, chr17:39,494,536, plus strand): 5'-TGGCCAAAAATGCTCATTGATAATAACAGTTTACATTTGTTTTGGCAGGAGAACTAGTGG[C>G]TCTGAAGAAGGTGAGACTAGACAATGAGAAAGAGGGCTTCCCAATCACAGCCATTCGTGA-3'
Protein context (NP_057591.2, residues 744-764): AKDKDTGELV[Ala754Gly]LKKVRLDNEK

ClinVar aggregate classification (germline): Uncertain significance (1 of 4 stars; one submission).

Submission:

Ambry Genetics
Classification: Uncertain significance. Last evaluated: 2026-07-05. Review status: criteria provided, single submitter. Criteria: Ambry Variant Classification Scheme 2023. Collection method: clinical testing. Allele origin: germline.
Comment: The p.A754G variant (also known as c.2261C>G), located in coding exon 5 of the CDK12 gene, results from a C to G substitution at nucleotide position 2261. The alanine at codon 754 is replaced by glycine, an amino acid with similar properties. This amino acid position is conserved. In addition, this alteration is predicted to be deleterious by in silico analysis. Based on the available evidence, the clinical significance of this variant remains unclear.